The following is an entry in ClinVar:

ClinVar aggregate classification (germline): Uncertain significance (1 of 4 stars; one submission).

Allele frequency attached by ClinVar (database versions not stated): ExAC 0.00004; gnomAD 0.00010; TOPMed 0.00010; ESP Exome Variant Server 0.00031.
gnomAD v4.1: 23 of 1,613,884 alleles (0.0014%); highest among the groups gnomAD compares: African/African-American, 0.029%; no homozygotes.

Submission:

Labcorp Genetics (formerly Invitae), Labcorp
Classification: Uncertain significance. Last evaluated: 2025-12-01. Review status: criteria provided, single submitter. Criteria: Invitae Variant Classification Sherloc (09022015). Collection method: clinical testing. Allele origin: germline.
Comment: This sequence change replaces threonine, which is neutral and polar, with alanine, which is neutral and non-polar, at codon 429 of the PCDH12 protein (p.Thr429Ala). This variant is present in population databases (rs144214295, gnomAD 0.03%). This variant has not been reported in the literature in individuals affected with PCDH12-related conditions. ClinVar contains an entry for this variant (Variation ID: 2050431). Invitae Evidence Modeling of protein sequence and biophysical properties (such as structural, functional, and spatial information, amino acid conservation, physicochemical variation, residue mobility, and thermodynamic stability) indicates that this missense variant is not expected to disrupt PCDH12 protein function with a negative predictive value of 95%. In summary, the available evidence is currently insufficient to determine the role of this variant in disease. Therefore, it has been classified as a Variant of Uncertain Significance.

NM_016580.4(PCDH12):c.1285A>G (p.Thr429Ala)

Genes: PCDH12 (protocadherin 12; minus strand), RNF14 (ring finger protein 14; plus strand). Cytogenetic location: 5q31.3.
Variant type: single nucleotide variant.
Coding change: c.1285A>G on transcript NM_016580.4 (MANE Select); coding-DNA position 1285, A replaced by G.
Protein change: p.Thr429Ala; replaces threonine 429 with alanine.
Molecular consequence: missense variant.
Genome position (GRCh38, 1-based): chr5:141,956,567, T>C on the plus strand (A>G on the coding strand, the complement: PCDH12 is on the minus strand). VCF-style: chr5-141956567-T-C. GRCh37 (hg19) VCF-style: chr5-141336132-T-C.
Other names: short protein forms T429A.
Identifiers: ClinVar variation 2050431 (VCV002050431.4), dbSNP rs144214295, ClinGen allele CA3484431.